The following is an entry in ClinVar:

NM_032383.5(HPS3):c.117_124dup (p.Glu42fs)

Gene: HPS3 (HPS3 biogenesis of lysosomal organelles complex 2 subunit 1; plus strand). Cytogenetic location: 3q24.
Variant type: Duplication.
Coding change: c.117_124dup on transcript NM_032383.5 (MANE Select); coding-DNA positions 117 to 124, 8 bases duplicated (CAAGGTGG; older notation c.117_124dupCAAGGTGG).
Protein change: p.Glu42fs; shifts the reading frame from glutamic acid 42.
Molecular consequence: frameshift variant.
Genome position (GRCh38, 1-based): chr3:149,129,840-149,129,847, CAAGGTGG duplicated; duplicating any 8 consecutive bases within chr3:149,129,839-149,129,847 gives the same sequence; the c. name uses the placement nearest the transcript's 3' end. VCF-style (leftmost placement, unchanged base first): chr3-149129838-T-TGCAAGGTG. GRCh37 (hg19) VCF-style: chr3-148847625-T-TGCAAGGTG.
Other names: c.117_124dup, p.Glu42fs (NM_001308258.2); short protein forms E42fs.
Identifiers: ClinVar variation 2748656 (VCV002748656.3), dbSNP rs2473045204, ClinGen allele CA2697556928.

ClinVar aggregate classification (germline): Pathogenic (1 of 4 stars; one submission).

Submission:

Labcorp Genetics (formerly Invitae), Labcorp
Classification: Pathogenic. Last evaluated: 2023-07-31. Review status: criteria provided, single submitter. Criteria: Invitae Variant Classification Sherloc (09022015). Collection method: clinical testing. Allele origin: germline.
Comment: For these reasons, this variant has been classified as Pathogenic. This variant has not been reported in the literature in individuals affected with HPS3-related conditions. This variant is not present in population databases (gnomAD no frequency). This sequence change creates a premature translational stop signal (p.Glu42Alafs*39) in the HPS3 gene. It is expected to result in an absent or disrupted protein product. Loss-of-function variants in HPS3 are known to be pathogenic (PMID: 11590544).

Literature cited by the submitters: PubMed 11590544.